The following is an entry in ClinVar:

ClinVar aggregate classification (germline): Uncertain significance (1 of 4 stars; one submission).

gnomAD v4.1: 5 of 1,614,100 alleles (0.00031%); highest among the groups gnomAD compares: Non-Finnish European, 0.00034%; no homozygotes.

Submission:

Ambry Genetics
Classification: Uncertain significance. Last evaluated: 2025-10-29. Review status: criteria provided, single submitter. Criteria: Ambry Variant Classification Scheme 2023. Collection method: clinical testing. Allele origin: germline.
Comment: The c.4646C>G (p.S1549C) alteration is located in exon 23 (coding exon 22) of the CEP192 gene. This alteration results from a C to G substitution at nucleotide position 4646, causing the serine (S) at amino acid position 1549 to be replaced by a cysteine (C). Based on data from gnomAD, the G allele has an overall frequency of <0.001% (1/251274) total alleles studied. The highest observed frequency was 0.001% (1/113580) of European (non-Finnish) alleles. Based on insufficient or conflicting evidence, the clinical significance of this alteration remains unclear.

NM_032142.4(CEP192):c.4646C>G (p.Ser1549Cys)

Gene: CEP192 (centrosomal protein 192; plus strand). Cytogenetic location: 18p11.21.
Variant type: single nucleotide variant.
Coding change: c.4646C>G on transcript NM_032142.4 (MANE Select); coding-DNA position 4646, C replaced by G.
Protein change: p.Ser1549Cys; replaces serine 1549 with cysteine.
Molecular consequence: missense variant.
Genome position (GRCh38, 1-based): chr18:13,068,125, C>G. VCF-style: chr18-13068125-C-G. GRCh37 (hg19) VCF-style: chr18-13068124-C-G.
Other names: short protein forms S1549C.
Identifiers: ClinVar variation 4652344 (VCV004652344.1).